The following is an entry in ClinVar:

NM_014861.4(ATP2C2):c.2580+1G>A

Genes: ATP2C2 (ATPase secretory pathway Ca2+ transporting 2; plus strand), ATP2C2-AS1 (ATP2C2 antisense RNA 1; minus strand), LOC126862427 (CDK7 strongly-dependent group 2 enhancer GRCh37_chr16:84494562-84495761; plus strand). Cytogenetic location: 16q24.1.
Variant type: single nucleotide variant.
Coding change: c.2580+1G>A on transcript NM_014861.4 (MANE Select); the canonical splice donor site of the intron after coding-DNA position 2580, G replaced by A.
Molecular consequence: splice donor variant. On other transcripts: non-coding transcript variant (1).
Genome position (GRCh38, 1-based): chr16:84,461,813, G>A. VCF-style: chr16-84461813-G-A. GRCh37 (hg19) VCF-style: chr16-84495419-G-A.
Other names: c.2667+1G>A (NM_001286527.3); c.2127+1G>A (NM_001291454.2).
Identifiers: ClinVar variation 3029063 (VCV003029063.2), dbSNP rs1360307297, ClinGen allele CA396961843.

ClinVar aggregate classification (germline): Uncertain significance (0 of 4 stars; one submission).

Conditions:
ATP2C2-related disorder. Also called: ATP2C2-related condition.

Allele frequency attached by ClinVar (database versions not stated): TOPMed below 0.00001; gnomAD exomes 0.00001.
gnomAD v4.1: 8 of 1,613,740 alleles (0.0005%); highest among the groups gnomAD compares: Admixed American, 0.0017%; no homozygotes.

Submission:

PreventionGenetics, part of Exact Sciences
Classification: Uncertain significance for ATP2C2-related condition. Last evaluated: 2024-02-16. Review status: no assertion criteria provided. Collection method: clinical testing. Allele origin: germline.
Comment: The ATP2C2 c.2580+1G>A variant is predicted to disrupt the GT donor site and interfere with normal splicing. To our knowledge, this variant has not been reported in the literature. This variant is reported in 0.0093% of alleles in individuals of European (Finnish) descent in gnomAD. At this time, the clinical significance of this variant is uncertain due to the absence of conclusive functional and genetic evidence.